The following is an entry in ClinVar:

ClinVar aggregate classification (germline): Likely benign. Review status: criteria provided, multiple submitters, no conflicts (2 of 4 stars). 6 submissions from 6 submitters: Likely benign (6). Last evaluated 2026-01-15.

Conditions:
Cardiac arrhythmia. Also called: Cardiac rhythm disease; Arrhythmia. Identifiers: MedGen C0003811, MONDO:0007263, HP:0011675.
Long QT syndrome (LQTS). Identifiers: MedGen C0023976, MeSH D008133, MONDO:0002442. Disease mechanism: loss of function. Inheritance: Various modes of inheritance.
Cardiovascular phenotype. Identifiers: MedGen CN230736.

Allele frequency attached by ClinVar (database versions not stated): gnomAD exomes 0.00002; ExAC 0.00003; gnomAD 0.00004; ESP Exome Variant Server 0.00008; TOPMed 0.00009; 1000 Genomes Project 30x 0.00016; 1000 Genomes Project 0.00020.
gnomAD v4.1: 46 of 1,596,574 alleles (0.0029%); highest among the groups gnomAD compares: African/African-American, 0.021%; no homozygotes.

Submissions (6):

Labcorp Genetics (formerly Invitae), Labcorp
Classification: Likely benign for Long QT syndrome. Last evaluated: 2026-01-15. Review status: criteria provided, single submitter. Criteria: Invitae Variant Classification Sherloc (09022015). Collection method: clinical testing. Allele origin: germline.

All of Us Research Program, National Institutes of Health
Classification: Likely benign for Long QT syndrome. Last evaluated: 2023-12-18. Review status: criteria provided, single submitter. Criteria: ACMG Guidelines, 2015. Collection method: clinical testing. Allele origin: germline. Inheritance: Autosomal dominant inheritance. Observed: 6 variant alleles, 6 heterozygotes.
Comment: This study involves interpretation of variants in research participants for the purpose of population health screening. Participant phenotype was not available at the time of variant classification. Additional details can be found in publication PMID: 35346344, PMCID: PMC8962531

Blueprint Genetics
Classification: Likely benign. Last evaluated: 2023-03-31. Review status: criteria provided, single submitter. Criteria: ACMG Guidelines, 2015. Collection method: clinical testing. Allele origin: germline.

Ambry Genetics
Classification: Likely benign for Cardiovascular phenotype. Last evaluated: 2022-10-27. Review status: criteria provided, single submitter. Criteria: Ambry Variant Classification Scheme 2023. Collection method: clinical testing. Allele origin: germline.

Color Diagnostics, LLC DBA Color Health
Classification: Likely benign for Arrhythmia. Last evaluated: 2019-12-02. Review status: criteria provided, single submitter. Criteria: ACMG Guidelines, 2015. Collection method: clinical testing. Allele origin: germline.

GeneDx
Classification: Likely benign. Last evaluated: 2019-08-28. Review status: criteria provided, single submitter. Criteria: GeneDx Variant Classification Process June 2021. Collection method: clinical testing. Allele origin: germline. Affected: yes.

NM_000238.4(KCNH2):c.1608G>A (p.Ala536=)

Gene: KCNH2 (potassium voltage-gated channel subfamily H member 2; minus strand). Cytogenetic location: 7q36.1.
Variant type: single nucleotide variant.
Coding change: c.1608G>A on transcript NM_000238.4 (MANE Select); coding-DNA position 1608, G replaced by A.
Protein change: p.Ala536=; no amino-acid change (alanine 536 retained).
Molecular consequence: synonymous variant. On other transcripts: non-coding transcript variant (2).
Genome position (GRCh38, 1-based): chr7:150,951,785, C>T on the plus strand (G>A on the coding strand, the complement: KCNH2 is on the minus strand). VCF-style: chr7-150951785-C-T. GRCh37 (hg19) VCF-style: chr7-150648873-C-T.
Other names: c.588G>A, p.Ala196= (NM_001204798.2, NM_172057.3); c.1320G>A, p.Ala440= (NM_001406753.1, NM_001406756.1); c.1431G>A, p.Ala477= (NM_001406755.1); c.1308G>A, p.Ala436= (NM_001406757.1); c.1608G>A, p.Ala536= (NM_172056.3).
Identifiers: ClinVar variation 379045 (VCV000379045.22), dbSNP rs144925439, ClinGen allele CA028919.